The following is an entry in ClinVar:

NM_000548.5(TSC2):c.4494-13C>T

Gene: TSC2 (TSC complex subunit 2; plus strand). Cytogenetic location: 16p13.3.
Variant type: single nucleotide variant.
Coding change: c.4494-13C>T on transcript NM_000548.5 (MANE Select); 13 bases into the intron before coding-DNA position 4494, C replaced by T.
Molecular consequence: intron variant.
Genome position (GRCh38, 1-based): chr16:2,084,938, C>T. VCF-style: chr16-2084938-C-T. GRCh37 (hg19) VCF-style: chr16-2134939-C-T.
Other names: c.4296-13C>T (NM_001363528.2); c.4362-13C>T (NM_001370404.1); c.4293-13C>T (NM_001077183.3); c.4185-13C>T (NM_001318827.2); c.3762-13C>T (NM_001318831.2); c.4149-13C>T (NM_001318829.2); c.4326-13C>T (NM_001318832.2); c.4425-13C>T (NM_001114382.3); and 1 more.
Identifiers: ClinVar variation 1650138 (VCV001650138.9), dbSNP rs981915272, ClinGen allele CA276753903.
Genomic context (GRCh38, chr16:2,084,938, plus strand): 5'-TGTTCCTCCCTGTGGGCTGTGGCTGCCCTGGCCAGGCCCTCACCTGGGTGCCCACCATCC[C>T]CTCCCTGTGCAGTTTCGTGTTCCTGCAGCTCTACCATTCCCCCTTCTTTGGCGACGAGTC-3'

ClinVar aggregate classification (germline): Likely benign. Review status: criteria provided, multiple submitters, no conflicts (2 of 4 stars). 2 submissions from 2 submitters: Likely benign (2). Last evaluated 2025-06-03.

Conditions:
Tuberous sclerosis 2 (TSC2). Identifiers: Orphanet 805, MedGen C1860707, MONDO:0013199, OMIM 613254.

Allele frequency attached by ClinVar (database versions not stated): TOPMed 0.00002.
gnomAD v4.1: 1 of 1,613,260 alleles (0.000062%); no homozygotes.

Submissions (2):

Myriad Genetics, Inc.
Classification: Likely benign for Tuberous sclerosis 2. Last evaluated: 2025-06-03. Review status: criteria provided, single submitter. Criteria: Myriad Autosomal Dominant, Autosomal Recessive and X-Linked Classification Criteria (2023). Collection method: clinical testing. Allele origin: unknown.
Comment: This variant is considered likely benign. This variant is intronic and is not expected to impact mRNA splicing.

Labcorp Genetics (formerly Invitae), Labcorp
Classification: Likely benign for Tuberous sclerosis 2. Last evaluated: 2025-04-23. Review status: criteria provided, single submitter. Criteria: Invitae Variant Classification Sherloc (09022015). Collection method: clinical testing. Allele origin: germline.